The following is an entry in ClinVar:

NM_002024.6(FMR1):c.1015C>T (p.Pro339Ser)

Gene: FMR1 (fragile X messenger ribonucleoprotein 1; plus strand). Cytogenetic location: Xq27.3.
Variant type: single nucleotide variant.
Coding change: c.1015C>T on transcript NM_002024.6 (MANE Select); coding-DNA position 1015, C replaced by T.
Protein change: p.Pro339Ser; replaces proline 339 with serine.
Molecular consequence: missense variant. On other transcripts: non-coding transcript variant (2).
Genome position (GRCh38, 1-based): chrX:147,937,490, C>T. VCF-style: chrX-147937490-C-T. GRCh37 (hg19) VCF-style: chrX-147019009-C-T.
Other names: c.1015C>T, p.Pro339Ser (NM_001185075.2, NM_001185076.2, NM_001185081.2 and 1 more transcripts); short protein forms P339S.
Identifiers: ClinVar variation 5017527 (VCV005017527.1).

ClinVar aggregate classification (germline): Uncertain significance (1 of 4 stars; one submission).

gnomAD v4.1: 1 of 1,205,355 alleles (0.000083%); highest among the groups gnomAD compares: Non-Finnish European, 0.00011%; no homozygotes.

Submission:

GeneDx
Classification: Uncertain significance. Last evaluated: 2026-03-28. Review status: criteria provided, single submitter. Criteria: GeneDx Variant Classification Process June 2021. Collection method: clinical testing. Allele origin: germline.
Comment: Not observed at significant frequency in large population cohorts (gnomAD); In silico analysis suggests that this missense variant does not alter protein structure/function; Has not been previously published as pathogenic or benign to our knowledge